The following is an entry in ClinVar:

ClinVar aggregate classification (germline): Uncertain significance (1 of 4 stars; one submission).

Submission:

Labcorp Genetics (formerly Invitae), Labcorp
Classification: Uncertain significance. Last evaluated: 2025-04-28. Review status: criteria provided, single submitter. Criteria: Invitae Variant Classification Sherloc (09022015). Collection method: clinical testing. Allele origin: germline.
Comment: This sequence change falls in intron 3 of the FLVCR2 gene. It does not directly change the encoded amino acid sequence of the FLVCR2 protein. Information on the frequency of this variant in the gnomAD database is not available, as this variant may be reported differently in the database. This variant has not been reported in the literature in individuals affected with FLVCR2-related conditions. ClinVar contains an entry for this variant (Variation ID: 1973988). Experimental studies and prediction algorithms are not available or were not evaluated, and the effect of this variant on mRNA splicing is currently unknown. In summary, the available evidence is currently insufficient to determine the role of this variant in disease. Therefore, it has been classified as a Variant of Uncertain Significance.

NM_017791.3(FLVCR2):c.952+9_952+10delinsCA

Gene: FLVCR2 (FLVCR choline and putative heme transporter 2; plus strand). Cytogenetic location: 14q24.3.
Variant type: Indel.
Coding change: c.952+9_952+10delinsCA on transcript NM_017791.3 (MANE Select); bases 9 to 10 of the intron after coding-DNA position 952, TC replaced by CA.
Molecular consequence: intron variant.
Genome position (GRCh38, 1-based): chr14:75,624,761-75,624,762, TC replaced by CA. VCF-style: chr14-75624761-TC-CA. GRCh37 (hg19) VCF-style: chr14-76091104-TC-CA.
Other names: c.337+9_337+10delinsCA (NM_001195283.2).
Identifiers: ClinVar variation 1973988 (VCV001973988.5), dbSNP rs2504127896, ClinGen allele CA2580088761.
Genomic context (GRCh38, chr14:75,624,761, plus strand): 5'-ATCGCCCGGCTCTTCAAAAATCTCAACTTTGTGCTGCTTGTCATCACCTATGGTAAGGTG[TC>CA]AATGTGTCTAGGAATGCATTCGAGCTGGAAATGTTAGATGAGAGGCCTGATGTGTCTTCA-3'